The following is an entry in ClinVar:

NM_000548.5(TSC2):c.727del (p.Leu243fs)

Gene: TSC2 (TSC complex subunit 2; plus strand). Cytogenetic location: 16p13.3.
Variant type: Deletion.
Coding change: c.727del on transcript NM_000548.5 (MANE Select); coding-DNA position 727, one base deleted (C; older notation c.727delC).
Protein change: p.Leu243fs; shifts the reading frame from leucine 243.
Molecular consequence: frameshift variant.
Genome position (GRCh38, 1-based): chr16:2,056,722, C deleted; the last of 3 consecutive C bases (chr16:2,056,720-2,056,722); deleting any one gives the same sequence. VCF-style (leftmost placement, unchanged base first): chr16-2056719-AC-A. GRCh37 (hg19) VCF-style: chr16-2106720-AC-A.
Other names: c.727del, p.Leu243fs (NM_001077183.3, NM_001114382.3, NM_001363528.2 and 3 more transcripts); c.616del, p.Leu206fs (NM_001318827.2); c.580del, p.Leu194fs (NM_001318829.2); c.127del, p.Leu43fs (NM_001318831.2); c.760del, p.Leu254fs (NM_001318832.2); short protein forms L206fs, L194fs, L243fs, L254fs, L43fs.
Identifiers: ClinVar variation 64941 (VCV000064941.2), dbSNP rs397514956, ClinGen allele CA022871.

ClinVar aggregate classification (germline): Pathogenic. Review status: criteria provided, single submitter (1 of 4 stars). 2 submissions from 2 submitters: Pathogenic (1). 1 of the submissions does not count toward it. Last evaluated 2025-07-29.

Conditions:
Tuberous sclerosis syndrome (TSC). Also called: Tuberous Sclerosis Complex; Tuberous sclerosis. Identifiers: Orphanet 805, MedGen C0041341, MONDO:0001734.
Tuberous sclerosis 2 (TSC2). Identifiers: Orphanet 805, MedGen C1860707, MONDO:0013199, OMIM 613254.

Submissions (2):

Variantyx, Inc.
Classification: Pathogenic for Tuberous sclerosis 2. Last evaluated: 2025-07-29. Review status: criteria provided, single submitter. Criteria: Variantyx Assertion Criteria 2022. Collection method: clinical testing. Allele origin: de novo. Inheritance: Autosomal dominant inheritance. Affected: yes.
Comment: This is a frameshift variant in the TSC2 gene (OMIM: 191092). Pathogenic variants in this gene have been associated with autosomal dominant tuberous sclerosis 2. The alteration introduces a premature termination codon in exon 8 out of 42 and is expected to result in loss of function, which is a known disease mechanism for TSC2 in this disorder (PMID: 29478616, 25927202, 10205261, 17304050) (PVS1). This variant is absent from control populations (PM2). Based on the current evidence, this variant is classified as pathogenic for autosomal dominant tuberous sclerosis 2.

Tuberous sclerosis database (TSC2)
No classification provided. Condition: TSC. Review status: no classification provided. Criteria: Tuberous Sclerosis Database Assertion Criteria 2015. Collection method: curation. Allele origin: germline. Affected: yes. Not counted in ClinVar's aggregate classification.

Literature cited by the submitters: PubMed 29478616 (cited by Variantyx, Inc.); PubMed 25927202 (cited by Variantyx, Inc.); PubMed 10205261 (cited by Variantyx, Inc.); PubMed 17304050 (cited by Variantyx, Inc.).